The following is an entry in ClinVar:

ClinVar aggregate classification (germline): Uncertain significance (1 of 4 stars; one submission).

Conditions:
Familial isolated arrhythmogenic right ventricular dysplasia. Identifiers: Orphanet 217656, MedGen C4274968, MONDO:0016342.

Submission:

All of Us Research Program, National Institutes of Health
Classification: Uncertain significance for Familial isolated arrhythmogenic right ventricular dysplasia. Last evaluated: 2023-06-08. Review status: criteria provided, single submitter. Criteria: ACMG Guidelines, 2015. Collection method: clinical testing. Allele origin: germline. Inheritance: Autosomal dominant inheritance. Observed: 1 variant allele, 1 heterozygote.
Comment: This missense variant replaces aspartic acid with glycine at codon 670 of the DSC2 protein. Computational prediction suggests that this variant may not impact protein structure and function (internally defined REVEL score threshold <= 0.5, PMID: 27666373). To our knowledge, functional studies have not been reported for this variant. This variant has not been reported in individuals affected with DSC2-related disorders in the literature. This variant has not been identified in the general population by the Genome Aggregation Database (gnomAD). The available evidence is insufficient to determine the role of this variant in disease conclusively. Therefore, this variant is classified as a Variant of Uncertain Significance.

This study involves interpretation of variants in research participants for the purpose of population health screening. Participant phenotype was not available at the time of variant classification. Additional details can be found in publication PMID: 35346344, PMCID: PMC8962531

NM_024422.6(DSC2):c.2009A>G (p.Asp670Gly)

Gene: DSC2 (desmocollin 2; minus strand). Cytogenetic location: 18q12.1.
Variant type: single nucleotide variant.
Coding change: c.2009A>G on transcript NM_024422.6 (MANE Select); coding-DNA position 2009, A replaced by G.
Protein change: p.Asp670Gly; replaces aspartic acid 670 with glycine.
Molecular consequence: missense variant.
Genome position (GRCh38, 1-based): chr18:31,071,721, T>C on the plus strand (A>G on the coding strand, the complement: DSC2 is on the minus strand). VCF-style: chr18-31071721-T-C. GRCh37 (hg19) VCF-style: chr18-28651687-T-C.
Other names: c.1580A>G, p.Asp527Gly (NM_001406506.1, NM_001406507.1); c.2009A>G, p.Asp670Gly (NM_004949.5); short protein forms D527G, D670G.
Identifiers: ClinVar variation 3071682 (VCV003071682.1), dbSNP rs2510940478, ClinGen allele CA402113159.